The following is an entry in ClinVar:

NM_032043.3(BRIP1):c.1958C>G (p.Ser653Ter)

Gene: BRIP1 (BRCA1 interacting DNA helicase 1; minus strand). Cytogenetic location: 17q23.2.
Variant type: single nucleotide variant.
Coding change: c.1958C>G on transcript NM_032043.3 (MANE Select); coding-DNA position 1958, C replaced by G.
Protein change: p.Ser653Ter; replaces serine 653 with a stop codon.
Molecular consequence: nonsense.
Genome position (GRCh38, 1-based): chr17:61,776,540, G>C on the plus strand (C>G on the coding strand, the complement: BRIP1 is on the minus strand). VCF-style: chr17-61776540-G-C. GRCh37 (hg19) VCF-style: chr17-59853901-G-C.
Other names: short protein forms S653*.
Identifiers: ClinVar variation 1783349 (VCV001783349.2), dbSNP rs756511744, ClinGen allele CA400478570.

ClinVar aggregate classification (germline): Pathogenic (1 of 4 stars; one submission).

Conditions:
Hereditary cancer-predisposing syndrome. Also called: Neoplastic Syndromes, Hereditary; Tumor predisposition; Hereditary Cancer Syndrome; Hereditary neoplastic syndrome. Identifiers: Orphanet 140162, MedGen C0027672, MeSH D009386, MONDO:0015356.

Submission:

Ambry Genetics
Classification: Pathogenic for Hereditary cancer-predisposing syndrome. Last evaluated: 2020-02-18. Review status: criteria provided, single submitter. Criteria: Ambry Variant Classification Scheme 2023. Collection method: clinical testing. Allele origin: germline.
Comment: The p.S653* pathogenic mutation (also known as c.1958C>G), located in coding exon 13 of the BRIP1 gene, results from a C to G substitution at nucleotide position 1958. This changes the amino acid from a serine to a stop codon within coding exon 13. This alteration is expected to result in loss of function by premature protein truncation or nonsense-mediated mRNA decay. As such, this alteration is interpreted as a disease-causing mutation.